The following is an entry in ClinVar:

ClinVar aggregate classification (germline): Uncertain significance (1 of 4 stars; one submission).

Conditions:
Hereditary cancer-predisposing syndrome. Also called: Tumor predisposition; Hereditary neoplastic syndrome; Neoplastic Syndromes, Hereditary; Hereditary Cancer Syndrome. Identifiers: Orphanet 140162, MedGen C0027672, MeSH D009386, MONDO:0015356.

Submission:

Ambry Genetics
Classification: Uncertain significance for Hereditary cancer-predisposing syndrome. Last evaluated: 2025-05-14. Review status: criteria provided, single submitter. Criteria: Ambry Variant Classification Scheme 2023. Collection method: clinical testing. Allele origin: germline.
Comment: The p.A755T variant (also known as c.2263G>A), located in coding exon 19 of the EGFR gene, results from a G to A substitution at nucleotide position 2263. The alanine at codon 755 is replaced by threonine, an amino acid with similar properties. This amino acid position is highly conserved in available vertebrate species. In addition, the in silico prediction for this alteration is inconclusive. Based on the available evidence, the clinical significance of this variant remains unclear.

NM_005228.5(EGFR):c.2263G>A (p.Ala755Thr)

Gene: EGFR (epidermal growth factor receptor; plus strand). Cytogenetic location: 7p11.2.
Variant type: single nucleotide variant.
Coding change: c.2263G>A on transcript NM_005228.5 (MANE Select); coding-DNA position 2263, G replaced by A.
Protein change: p.Ala755Thr; replaces alanine 755 with threonine.
Molecular consequence: missense variant.
Genome position (GRCh38, 1-based): chr7:55,174,800, G>A. VCF-style: chr7-55174800-G-A. GRCh37 (hg19) VCF-style: chr7-55242493-G-A.
Other names: c.2128G>A, p.Ala710Thr (NM_001346897.2, NM_001346899.2); c.2263G>A, p.Ala755Thr (NM_001346898.2); c.2104G>A, p.Ala702Thr (NM_001346900.2); c.1462G>A, p.Ala488Thr (NM_001346941.2); short protein forms A488T, A702T, A755T, A710T.
Identifiers: ClinVar variation 4016750 (VCV004016750.1).
Genomic context (GRCh38, chr7:55,174,800, plus strand): 5'-GGTGAGAAAGTTAAAATTCCCGTCGCTATCAAGGAATTAAGAGAAGCAACATCTCCGAAA[G>A]CCAACAAGGAAATCCTCGATGTGAGTTTCTGCTTTGCTGTGTGGGGGTCCATGGCTCTGA-3'
Protein context (NP_005219.2, residues 745-765): KELREATSPK[Ala755Thr]NKEILDEAYV